The following is an entry in ClinVar:

NM_024867.4(SPEF2):c.172G>T (p.Ala58Ser)

Gene: SPEF2 (sperm flagellar and cilia associated 2; plus strand). Cytogenetic location: 5p13.2.
Variant type: single nucleotide variant.
Coding change: c.172G>T on transcript NM_024867.4 (MANE Select); coding-DNA position 172, G replaced by T.
Protein change: p.Ala58Ser; replaces alanine 58 with serine.
Molecular consequence: missense variant.
Genome position (GRCh38, 1-based): chr5:35,641,441, G>T. VCF-style: chr5-35641441-G-T. GRCh37 (hg19) VCF-style: chr5-35641543-G-T.
Other names: c.172G>T, p.Ala58Ser (NM_144722.4); short protein forms A58S.
Identifiers: ClinVar variation 4821833 (VCV004821833.4).

ClinVar aggregate classification (germline): Likely benign (1 of 4 stars; one submission).

gnomAD v4.1: 371 of 1,612,588 alleles (0.023%); highest among the groups gnomAD compares: South Asian, 0.39%; 1 homozygote.

Submission:

CeGaT Center for Human Genetics Tuebingen
Classification: Likely benign. Last evaluated: 2026-02-01. Review status: criteria provided, single submitter. Criteria: CeGaT Center For Human Genetics Tuebingen Variant Classification Criteria Version 2. Collection method: clinical testing. Allele origin: germline. Affected: yes. Observed: 1 variant allele.
Comment: SPEF2: BP4